The following is an entry in ClinVar:

NM_005732.4(RAD50):c.2524+3A>G

Gene: RAD50 (RAD50 double strand break repair protein; plus strand). Cytogenetic location: 5q31.1.
Variant type: single nucleotide variant.
Coding change: c.2524+3A>G on transcript NM_005732.4 (MANE Select); 3 bases into the intron after coding-DNA position 2524, A replaced by G.
Molecular consequence: intron variant.
Genome position (GRCh38, 1-based): chr5:132,604,049, A>G. VCF-style: chr5-132604049-A-G. GRCh37 (hg19) VCF-style: chr5-131939741-A-G.
Identifiers: ClinVar variation 664337 (VCV000664337.7), dbSNP rs1339706998, ClinGen allele CA915943561.
Genomic context (GRCh38, chr5:132,604,049, plus strand): 5'-CGAACTGTCCAACAAGTCAACCAGGAGAAACAAGAGAAACAGCACAAGTTAGACACAGGT[A>G]ATACAGTCTGTGTCCTTCTGTACTCATAGAGACTTTGACATTGCGAGCACATGCCTTTTA-3'

ClinVar aggregate classification (germline): Uncertain significance. Review status: criteria provided, multiple submitters, no conflicts (2 of 4 stars). 2 submissions from 2 submitters: Uncertain significance (2). Last evaluated 2024-04-22.

Conditions:
Hereditary cancer-predisposing syndrome. Also called: Tumor predisposition; Hereditary neoplastic syndrome; Neoplastic Syndromes, Hereditary; Hereditary Cancer Syndrome. Identifiers: Orphanet 140162, MedGen C0027672, MeSH D009386, MONDO:0015356.

Allele frequency attached by ClinVar (database versions not stated): gnomAD exomes below 0.00001.
gnomAD v4.1: 1 of 1,613,292 alleles (0.000062%); highest among the groups gnomAD compares: Non-Finnish European, 0.000085%; no homozygotes.

Submissions (2):

Labcorp Genetics (formerly Invitae), Labcorp
Classification: Uncertain significance for Hereditary cancer-predisposing syndrome. Last evaluated: 2024-04-22. Review status: criteria provided, single submitter. Criteria: Invitae Variant Classification Sherloc (09022015). Collection method: clinical testing. Allele origin: germline.
Comment: This sequence change falls in intron 15 of the RAD50 gene. It does not directly change the encoded amino acid sequence of the RAD50 protein. It affects a nucleotide within the consensus splice site. This variant is not present in population databases (gnomAD no frequency). This variant has not been reported in the literature in individuals affected with RAD50-related conditions. ClinVar contains an entry for this variant (Variation ID: 664337). Variants that disrupt the consensus splice site are a relatively common cause of aberrant splicing (PMID: 17576681, 9536098). Algorithms developed to predict the effect of sequence changes on RNA splicing suggest that this variant is not likely to affect RNA splicing. In summary, the available evidence is currently insufficient to determine the role of this variant in disease. Therefore, it has been classified as a Variant of Uncertain Significance.

Quest Diagnostics Nichols Institute San Juan Capistrano
Classification: Uncertain significance. Last evaluated: 2023-10-25. Review status: criteria provided, single submitter. Criteria: Quest Diagnostics criteria. Collection method: clinical testing. Allele origin: unknown.
Comment: The RAD50 c.2524+3A>G variant has not been reported in individuals with RAD50-related conditions in the published literature. It also has not been reported in large, multi-ethnic general populations (Genome Aggregation Database). Analysis of this variant using software algorithms for the prediction of the effect of nucleotide changes on splicing yielded predictions that this variant may affect proper RAD50 mRNA splicing. Based on the available information, we are unable to determine the clinical significance of this variant.

Literature cited by the submitters: PubMed 17576681 (cited by Labcorp Genetics (formerly Invitae), Labcorp); PubMed 9536098 (cited by Labcorp Genetics (formerly Invitae), Labcorp).